The following is an entry in ClinVar:

ClinVar aggregate classification (germline): Conflicting classifications of pathogenicity. Review status: criteria provided, conflicting classifications (1 of 4 stars). 5 submissions from 5 submitters: Uncertain significance (1); Benign (1); Likely benign (2). 1 of the submissions does not count toward it. Last evaluated 2026-07-01.

Conditions:
Joubert syndrome 17 (JBTS17). Identifiers: Orphanet 475, MedGen C3553264, MONDO:0013824, OMIM 614615.
CPLANE1-related disorder. Also called: CPLANE1-related condition.

Allele frequency attached by ClinVar (database versions not stated): 1000 Genomes Project 30x 0.00016; TOPMed 0.00018; gnomAD 0.00041; ExAC 0.00045; gnomAD exomes 0.00046.
gnomAD v4.1: 316 of 1,524,730 alleles (0.021%); highest among the groups gnomAD compares: African/African-American, 0.047%; no homozygotes.

Submissions (5):

CeGaT Center for Human Genetics Tuebingen
Classification: Likely benign. Last evaluated: 2026-07-01. Review status: criteria provided, single submitter. Criteria: CeGaT Center For Human Genetics Tuebingen Variant Classification Criteria Version 2. Collection method: clinical testing. Allele origin: germline. Affected: yes. Observed: 1 variant allele.
Comment: CPLANE1: BP4, BP7

Labcorp Genetics (formerly Invitae), Labcorp
Classification: Benign. Last evaluated: 2026-01-20. Review status: criteria provided, single submitter. Criteria: Invitae Variant Classification Sherloc (09022015). Collection method: clinical testing. Allele origin: germline.

Blueprint Genetics
Classification: Likely benign. Last evaluated: 2024-05-20. Review status: criteria provided, single submitter. Criteria: ACMG Guidelines, 2015. Collection method: clinical testing. Allele origin: germline.

Illumina Laboratory Services, Illumina
Classification: Uncertain significance for Joubert syndrome 17. Last evaluated: 2018-01-13. Review status: criteria provided, single submitter. Criteria: ICSL Variant Classification Criteria 13 December 2019. Collection method: clinical testing. Allele origin: germline.

PreventionGenetics, part of Exact Sciences
Classification: Likely benign for CPLANE1-related condition. Last evaluated: 2019-10-31. Review status: no assertion criteria provided. Collection method: clinical testing. Allele origin: germline. Not counted in ClinVar's aggregate classification.
Comment: This variant is classified as likely benign based on ACMG/AMP sequence variant interpretation guidelines (Richards et al. 2015 PMID: 25741868, with internal and published modifications).

NM_001384732.1(CPLANE1):c.1116G>A (p.Thr372=)

Gene: CPLANE1 (ciliogenesis and planar polarity effector complex subunit 1; minus strand). Cytogenetic location: 5p13.2.
Variant type: single nucleotide variant.
Coding change: c.1116G>A on transcript NM_001384732.1 (MANE Select); coding-DNA position 1116, G replaced by A.
Protein change: p.Thr372=; no amino-acid change (threonine 372 retained).
Molecular consequence: synonymous variant.
Genome position (GRCh38, 1-based): chr5:37,230,872, C>T on the plus strand (G>A on the coding strand, the complement: CPLANE1 is on the minus strand). VCF-style: chr5-37230872-C-T. GRCh37 (hg19) VCF-style: chr5-37230974-C-T.
Other names: c.1116G>A, p.Thr372= (NM_023073.4).
Identifiers: ClinVar variation 353463 (VCV000353463.17), dbSNP rs551066377, ClinGen allele CA3239134.